The following is an entry in ClinVar:

NM_006662.3(SRCAP):c.8162G>A (p.Arg2721Gln)

Gene: SRCAP (Snf2 related CREBBP activator protein; plus strand). Cytogenetic location: 16p11.2.
Variant type: single nucleotide variant.
Coding change: c.8162G>A on transcript NM_006662.3 (MANE Select); coding-DNA position 8162, G replaced by A.
Protein change: p.Arg2721Gln; replaces arginine 2721 with glutamine.
Molecular consequence: missense variant.
Genome position (GRCh38, 1-based): chr16:30,738,202, G>A. VCF-style: chr16-30738202-G-A. GRCh37 (hg19) VCF-style: chr16-30749523-G-A.
Other names: c.8162G>A (NM_006662.2); short protein forms R2721Q.
Identifiers: ClinVar variation 2171452 (VCV002171452.7), dbSNP rs758723663, ClinGen allele CA8012631.
Genomic context (GRCh38, chr16:30,738,202, plus strand): 5'-CATCCACCTCATCTTCAGCCACTTCCTCGCCTGAGGGTCCTTCACCTGCCCGACCTCCTC[G>A]GCGTCGCACCAGTGCTGATGTGGAAATTAGGGGTCAAGGGACTGGTCGGCCAGGACAACC-3'
Protein context (NP_006653.2, residues 2711-2731): PEGPSPARPP[Arg2721Gln]RRTSADVEIR

ClinVar aggregate classification (germline): Uncertain significance. Review status: criteria provided, multiple submitters, no conflicts (2 of 4 stars). 4 submissions from 4 submitters: Uncertain significance (4). Last evaluated 2025-11-21.

Conditions:
Developmental delay, hypotonia, musculoskeletal defects, and behavioral abnormalities. Identifiers: MedGen C5562012, MONDO:0859202, OMIM 619595.
Floating-Harbor syndrome (FLHS). Also called: SRCAP-Related Floating-Harbor Syndrome; Short stature with delayed bone age, expressive language delay, a triangular face with a prominent nose and deep-set eyes; Pelletier-Leisti syndrome. Identifiers: Orphanet 2044, MedGen C0729582, MONDO:0007621, OMIM 136140.
SRCAP-related disorder. Also called: SRCAP-related condition.
Growth failure in early childhood.

Allele frequency attached by ClinVar (database versions not stated): TOPMed 0.00001; ExAC 0.00002; gnomAD 0.00001.
gnomAD v4.1: 16 of 1,614,034 alleles (0.00099%); highest among the groups gnomAD compares: Non-Finnish European, 0.0013%; no homozygotes.

Submissions (4):

PreventionGenetics, part of Exact Sciences
Classification: Uncertain significance for SRCAP-related condition. Last evaluated: 2025-11-21. Review status: criteria provided, single submitter. Criteria: ACMG Guidelines, 2015. Collection method: clinical testing. Allele origin: germline.
Comment: The SRCAP c.8162G>A variant is predicted to result in the amino acid substitution p.Arg2721Gln. To our knowledge, this variant has not been reported in the literature. This variant is reported in 0.00088% of alleles in individuals of European (Non-Finnish) descent in gnomAD. At this time, the clinical significance of this variant is uncertain due to the absence of conclusive functional and genetic evidence.

Cambridge Genomics Laboratory, East Genomic Laboratory Hub, NHS Genomic Medicine Service
Classification: Uncertain significance for Growth failure in early childhood. Last evaluated: 2024-10-24. Review status: criteria provided, single submitter. Criteria: ACGS Best Practice Guidelines for Variant Classification in Rare Disease 2020. Collection method: clinical testing. Allele origin: germline. Affected: yes.
Comment: BP4

Fulgent Genetics
Classification: Uncertain significance for Floating-Harbor syndrome; Developmental delay, hypotonia, musculoskeletal defects, and behavioral abnormalities. Last evaluated: 2024-04-24. Review status: criteria provided, single submitter. Criteria: ACMG Guidelines, 2015. Collection method: clinical testing. Allele origin: germline.

Labcorp Genetics (formerly Invitae), Labcorp
Classification: Uncertain significance. Last evaluated: 2022-11-08. Review status: criteria provided, single submitter. Criteria: Invitae Variant Classification Sherloc (09022015). Collection method: clinical testing. Allele origin: germline.
Comment: In summary, the available evidence is currently insufficient to determine the role of this variant in disease. Therefore, it has been classified as a Variant of Uncertain Significance. Advanced modeling of protein sequence and biophysical properties (such as structural, functional, and spatial information, amino acid conservation, physicochemical variation, residue mobility, and thermodynamic stability) performed at Invitae indicates that this missense variant is not expected to disrupt SRCAP protein function. This variant has not been reported in the literature in individuals affected with SRCAP-related conditions. This variant is present in population databases (rs758723663, gnomAD 0.0009%). This sequence change replaces arginine, which is basic and polar, with glutamine, which is neutral and polar, at codon 2721 of the SRCAP protein (p.Arg2721Gln).